The following is an entry in ClinVar:

ClinVar aggregate classification (germline): Pathogenic. Review status: criteria provided, multiple submitters, no conflicts (2 of 4 stars). 11 submissions from 11 submitters: Pathogenic (11). Last evaluated 2026-06-09.

Conditions:
Familial intrahepatic cholestasis. Identifiers: Orphanet 284385, MedGen CN296401, MONDO:0017290.
ABCB11-related disorder. Also called: ABCB11-related condition.
Benign recurrent intrahepatic cholestasis type 2 (BRIC2). Also called: Recurrent familial intrahepatic cholestasis 2. Identifiers: Orphanet 65682, Orphanet 99961, MedGen C2608083, MONDO:0011559, OMIM 605479.
Progressive familial intrahepatic cholestasis type 1. Also called: BYLER DISEASE; Severe ATP8B1 Deficiency (Progressive Familial Intrahepatic Cholestasis Type 1 [PFIC1]); Byler's disease. Identifiers: Orphanet 79306, MedGen C4551898, MONDO:0008892, OMIM 211600.
Progressive familial intrahepatic cholestasis type 2. Identifiers: Orphanet 79304, MedGen C3489789, MONDO:0011156, OMIM 601847.

Allele frequency attached by ClinVar (database versions not stated): TOPMed below 0.00001; ExAC 0.00001; gnomAD 0.00001; gnomAD exomes 0.00001.
gnomAD v4.1: 9 of 1,613,232 alleles (0.00056%); highest among the groups gnomAD compares: African/African-American, 0.0027%; no homozygotes.

Submissions (11):

Women's Health and Genetics/Laboratory Corporation of America, LabCorp
Classification: Pathogenic for Progressive familial intrahepatic cholestasis type 1. Last evaluated: 2026-06-09. Review status: criteria provided, single submitter. Criteria: LabCorp Variant Classification Summary - May 2015. Collection method: clinical testing. Allele origin: germline.
Comment: Variant summary: ABCB11 c.3692G>A (p.Arg1231Gln) results in a conservative amino acid change in the encoded protein sequence. Algorithms developed to predict the effect of missense changes on protein structure and function are either unavailable or do not agree on the potential impact of this missense change. The variant allele was found at a frequency of 1.2e-05 in 249278 control chromosomes. c.3692G>A has been observed in multiple individuals affected with intrahepatic cholestasis (e.g. Alvarez_2004, Li_2020, Hertel_2021, Bakir_2022). These data indicate that the variant is very likely to be associated with disease. The following publications have been ascertained in the context of this evaluation (PMID: 15317749, 34961929, 34016879, 32808743). ClinVar contains an entry for this variant (Variation ID: 287364). Based on the evidence outlined above, the variant was classified as pathogenic.

Genomenon, Inc
Classification: Pathogenic for Familial intrahepatic cholestasis. Last evaluated: 2026-04-14. Review status: criteria provided, single submitter. Criteria: Genomenon Sequence Variant Interpretation Standards - Updated. Collection method: curation. Allele origin: germline. Affected: yes.
Comment: ABCB11 p.Arg1231Gln (c.3692G>A) is a missense variant that changes the amino acid at residue 1231 from Arginine to Glutamine. This variant has been observed in at least one proband with an ABCB11-related disorder (PMID:35780807;34961929;28733223;15317749;19797282;24530123;18395098;21490445;24991443). The variant was found to segregate with disease in at least one affected family (PMID:34961929). At least one functional study has demonstrated a substantial alteration in protein function relative to the wild-type (PMID:19101985). It is absent or not present at a significant frequency in gnomAD. In silico models predict that this variant is possibly or probably damaging. In conclusion, we classify ABCB11 p.Arg1231Gln (c.3692G>A) as a pathogenic variant.

Natera, Inc.
Classification: Pathogenic for Progressive familial intrahepatic cholestasis type 2. Last evaluated: 2025-10-06. Review status: criteria provided, single submitter. Criteria: Natera Variant Classification Schema (03/2026). Collection method: clinical testing. Allele origin: germline.
Comment: The c.3692G>A variant in ABCB11 is a missense variant predicted to cause substitution of arginine to glutamine at amino acid 1231. This variant is rare in the general population with a frequency below the threshold expected for the associated phenotype(s). This variant has been observed in one or more individuals affected with the associated recessive disease, as either homozygous or compound heterozygous with a second variant (PMID: 34961929, 34016879). Given the available evidence, this variant is classified as Pathogenic.

Genomic Medicine Center of Excellence, King Faisal Specialist Hospital and Research Centre
Classification: Pathogenic for Progressive familial intrahepatic cholestasis type 2. Last evaluated: 2025-09-10. Review status: criteria provided, single submitter. Criteria: ACMG Guidelines, 2015. Collection method: clinical testing. Allele origin: germline.

Labcorp Genetics (formerly Invitae), Labcorp
Classification: Pathogenic. Last evaluated: 2025-07-13. Review status: criteria provided, single submitter. Criteria: Invitae Variant Classification Sherloc (09022015). Collection method: clinical testing. Allele origin: germline.
Comment: This sequence change replaces arginine, which is basic and polar, with glutamine, which is neutral and polar, at codon 1231 of the ABCB11 protein (p.Arg1231Gln). This variant is present in population databases (rs758069019, gnomAD 0.007%). This missense change has been observed in individuals with cholestasis (PMID: 15317749, 18395098, 24530123, 24991443). ClinVar contains an entry for this variant (Variation ID: 287364). Invitae Evidence Modeling of protein sequence and biophysical properties (such as structural, functional, and spatial information, amino acid conservation, physicochemical variation, residue mobility, and thermodynamic stability) indicates that this missense variant is expected to disrupt ABCB11 protein function with a positive predictive value of 95%. Experimental studies have shown that this missense change affects ABCB11 function (PMID: 19101985, 24530123). For these reasons, this variant has been classified as Pathogenic.

PreventionGenetics, part of Exact Sciences
Classification: Pathogenic for ABCB11-related condition. Last evaluated: 2025-03-06. Review status: criteria provided, single submitter. Criteria: ACMG Guidelines, 2015. Collection method: clinical testing. Allele origin: germline.
Comment: The ABCB11 c.3692G>A variant is predicted to result in the amino acid substitution p.Arg1231Gln. This variant has been reported to be pathogenic for intrahepatic cholestasis due to decreased cell-surface expression of bile salt export pump (BSEP) (Naoi et al. 2014. PubMed ID: 24530123; Tibesar et al. 2014. PubMed ID: 24991443; Byrne et al. 2009. PubMed ID: 19101985). This variant is reported in 0.0065% of alleles in individuals of African descent in gnomAD. This variant is interpreted as pathogenic.

CeGaT Center for Human Genetics Tuebingen
Classification: Pathogenic. Last evaluated: 2024-05-01. Review status: criteria provided, single submitter. Criteria: CeGaT Center For Human Genetics Tuebingen Variant Classification Criteria Version 2. Collection method: clinical testing. Allele origin: germline. Affected: yes. Observed: 2 variant alleles.
Comment: ABCB11: PM3:Strong, PM2, PM5, PP3, PP4, PS3:Supporting

Baylor Genetics
Classification: Pathogenic for Benign recurrent intrahepatic cholestasis type 2. Last evaluated: 2024-02-28. Review status: criteria provided, single submitter. Criteria: ACMG Guidelines, 2015. Collection method: clinical testing. Allele origin: unknown.

GeneDx
Classification: Pathogenic. Last evaluated: 2022-08-23. Review status: criteria provided, single submitter. Criteria: GeneDx Variant Classification Process June 2021. Collection method: clinical testing. Allele origin: germline. Affected: yes.
Comment: Reported as a single heterozygous variant in association with benign recurrent intrahepatic cholestasis (Drge et al., 2017); Published functional studies demonstrate a damaging effect on protein maturity and cell surface expression (Byrne et al., 2009, Naoi et al., 2014); This variant is associated with the following publications: (PMID: 31589614, 24530123, 15317749, 21490445, 32808743, 19101985, 29104077, 34961929, 24991443, 34016879, 18395098, 28733223)

Rolfs Rare Disease Consulting, Rolfs Consulting Und Verwaltungs GmbH
Classification: Pathogenic for Progressive familial intrahepatic cholestasis type 2. Last evaluated: 2020-01-01. Review status: criteria provided, single submitter. Criteria: ACMG Guidelines, 2015. Collection method: clinical testing. Allele origin: germline. Affected: yes.

Eurofins Ntd Llc (ga)
Classification: Pathogenic. Last evaluated: 2017-12-05. Review status: criteria provided, single submitter. Criteria: EGL Classification Definitions 2015. Collection method: clinical testing. Allele origin: germline. Observed: 2 variant alleles, 2 heterozygotes.

Literature cited by the submitters: PubMed 34016879 (cited by Women's Health and Genetics/Laboratory Corporation of America, LabCorp and Natera, Inc.); PubMed 32808743 (cited by Women's Health and Genetics/Laboratory Corporation of America, LabCorp); PubMed 15317749 (cited by 4 submitters); PubMed 34961929 (cited by 3 submitters); PubMed 35780807 (cited by Genomenon, Inc); PubMed 28733223 (cited by Genomenon, Inc); PubMed 19797282 (cited by Genomenon, Inc); PubMed 24530123 (cited by 3 submitters); PubMed 18395098 (cited by 3 submitters); PubMed 21490445 (cited by Genomenon, Inc); PubMed 24991443 (cited by Genomenon, Inc and Labcorp Genetics (formerly Invitae), Labcorp); PubMed 19101985 (cited by 3 submitters).

NM_003742.4(ABCB11):c.3692G>A (p.Arg1231Gln)

Gene: ABCB11 (ATP binding cassette subfamily B member 11; minus strand). Cytogenetic location: 2q31.1.
Variant type: single nucleotide variant.
Coding change: c.3692G>A on transcript NM_003742.4 (MANE Select); coding-DNA position 3692, G replaced by A.
Protein change: p.Arg1231Gln; replaces arginine 1231 with glutamine.
Molecular consequence: missense variant.
Genome position (GRCh38, 1-based): chr2:168,924,730, C>T on the plus strand (G>A on the coding strand, the complement: ABCB11 is on the minus strand). VCF-style: chr2-168924730-C-T. GRCh37 (hg19) VCF-style: chr2-169781240-C-T.
Other names: c.3692G>A, p.Arg1231Gln (LRG_1199t1); short protein forms R1231Q.
Identifiers: ClinVar variation 287364 (VCV000287364.42), dbSNP rs758069019, ClinGen allele CA1950957.
Genomic context (GRCh38, chr2:168,924,730, plus strand): 5'-GTGTCTAAGGCAGAAGTGGCTTCATCTAGTAGCAAGATTTTAGGATCTCGTACAATGGCC[C>T]GAGCAATAGCAATGCGTTGTTTCTCCCCTCTAGAGAGTTGAGACCCCTGGGACCCAACGT-3'
Protein context (NP_003733.2, residues 1221-1241): RGEKQRIAIA[Arg1231Gln]AIVRDPKILL